The following is an entry in ClinVar:

NM_002878.4(RAD51D):c.378T>C (p.His126=)

Genes: RAD51D (RAD51 paralog D; minus strand), RAD51L3-RFFL (RAD51L3-RFFL readthrough; minus strand). Cytogenetic location: 17q12.
Variant type: single nucleotide variant.
Coding change: c.378T>C on transcript NM_002878.4 (MANE Select); coding-DNA position 378, T replaced by C.
Protein change: p.His126=; no amino-acid change (histidine 126 retained).
Molecular consequence: synonymous variant. On other transcripts: non-coding transcript variant (1), intron variant (1).
Genome position (GRCh38, 1-based): chr17:35,107,090, A>G on the plus strand (T>C on the coding strand, the complement: RAD51D is on the minus strand). VCF-style: chr17-35107090-A-G. GRCh37 (hg19) VCF-style: chr17-33434109-A-G.
Other names: c.438T>C, p.His146= (NM_001142571.2); c.145-609T>C (NM_133629.3).
Identifiers: ClinVar variation 1121454 (VCV001121454.12), dbSNP rs2142433584, ClinGen allele CA499731736.

ClinVar aggregate classification (germline): Benign/Likely benign. Review status: criteria provided, multiple submitters, no conflicts (2 of 4 stars). 4 submissions from 4 submitters: Benign (1); Likely benign (3). Last evaluated 2025-02-21.

Conditions:
Breast-ovarian cancer, familial, susceptibility to, 4. Identifiers: Orphanet 145, MedGen C3280345, MONDO:0013669, OMIM 614291.
Hereditary cancer-predisposing syndrome. Also called: Neoplastic Syndromes, Hereditary; Hereditary Cancer Syndrome; Hereditary neoplastic syndrome; Tumor predisposition. Identifiers: Orphanet 140162, MedGen C0027672, MeSH D009386, MONDO:0015356.

Allele frequency attached by ClinVar (database versions not stated): gnomAD exomes below 0.00001.
gnomAD v4.1: 1 of 1,614,066 alleles (0.000062%); highest among the groups gnomAD compares: Non-Finnish European, 0.000085%; no homozygotes.

Submissions (4):

Myriad Genetics, Inc.
Classification: Benign for Breast-ovarian cancer, familial, susceptibility to, 4. Last evaluated: 2025-02-21. Review status: criteria provided, single submitter. Criteria: Myriad Autosomal Dominant, Autosomal Recessive and X-Linked Classification Criteria (2023). Collection method: clinical testing. Allele origin: unknown.
Comment: This variant is considered benign. This variant is a silent/synonymous amino acid change and it is not expected to impact splicing.

Labcorp Genetics (formerly Invitae), Labcorp
Classification: Likely benign for Breast-ovarian cancer, familial, susceptibility to, 4. Last evaluated: 2024-11-06. Review status: criteria provided, single submitter. Criteria: Invitae Variant Classification Sherloc (09022015). Collection method: clinical testing. Allele origin: germline.

Color Diagnostics, LLC DBA Color Health
Classification: Likely benign for Hereditary cancer-predisposing syndrome. Last evaluated: 2022-05-23. Review status: criteria provided, single submitter. Criteria: ACMG Guidelines, 2015. Collection method: clinical testing. Allele origin: germline.

Ambry Genetics
Classification: Likely benign for Hereditary cancer-predisposing syndrome. Last evaluated: 2022-02-23. Review status: criteria provided, single submitter. Criteria: Ambry Variant Classification Scheme 2023. Collection method: clinical testing. Allele origin: germline.